The following is an entry in ClinVar:

ClinVar aggregate classification (germline): Benign/Likely benign. Review status: criteria provided, multiple submitters, no conflicts (2 of 4 stars). 8 submissions from 8 submitters: Benign (1); Likely benign (5). 2 of the submissions do not count toward it. Last evaluated 2026-02-01.

Conditions:
Congenital stationary night blindness 1E. Also called: Night blindness, congenital stationary (complete), 1E, autosomal recessive. Identifiers: Orphanet 215, MedGen C3281215, MONDO:0013807, OMIM 614565.

Allele frequency attached by ClinVar (database versions not stated): 1000 Genomes Project 0.00060; 1000 Genomes Project 30x 0.00094; gnomAD 0.00176 and 0.00219; ExAC 0.00184; ESP Exome Variant Server 0.00222; TOPMed 0.00275.
gnomAD v4.1: 4,153 of 1,614,100 alleles (0.26%); highest among the groups gnomAD compares: Non-Finnish European, 0.31%; 10 homozygotes.

Submissions (8):

Labcorp Genetics (formerly Invitae), Labcorp
Classification: Benign. Last evaluated: 2026-02-01. Review status: criteria provided, single submitter. Criteria: Invitae Variant Classification Sherloc (09022015). Collection method: clinical testing. Allele origin: germline.

Blueprint Genetics
Classification: Likely benign. Last evaluated: 2024-11-19. Review status: criteria provided, single submitter. Criteria: ACMG Guidelines, 2015. Collection method: clinical testing. Allele origin: germline.

CeGaT Center for Human Genetics Tuebingen
Classification: Likely benign. Last evaluated: 2022-04-01. Review status: criteria provided, single submitter. Criteria: CeGaT Center For Human Genetics Tuebingen Variant Classification Criteria Version 2. Collection method: clinical testing. Allele origin: germline. Affected: yes. Observed: 1 variant allele.
Comment: GPR179: BP4, BP7

Illumina Laboratory Services, Illumina
Classification: Likely benign for Congenital stationary night blindness 1E. Last evaluated: 2018-01-12. Review status: criteria provided, single submitter. Criteria: ICSL Variant Classification Criteria 13 December 2019. Collection method: clinical testing. Allele origin: germline.
Comment: This variant was observed in the ICSL laboratory as part of a predisposition screen in an ostensibly healthy population. It had not been previously curated by ICSL or reported in the Human Gene Mutation Database (HGMD: prior to June 1st, 2018), and was therefore a candidate for classification through an automated scoring system. Utilizing variant allele frequency, disease prevalence and penetrance estimates, and inheritance mode, an automated score was calculated to assess if this variant is too frequent to cause the disease. Based on the score and internal cut-off values, a variant classified as likely benign is not then subjected to further curation. The score for this variant resulted in a classification of likely benign for this disease.

Eurofins Ntd Llc (ga)
Classification: Likely benign. Last evaluated: 2015-09-22. Review status: criteria provided, single submitter. Criteria: EGL Classification Definitions 2015. Collection method: clinical testing. Allele origin: germline. Observed: 1 variant allele, 1 heterozygote.

Breakthrough Genomics
Classification: Likely benign. Review status: criteria provided, single submitter. Criteria: ACMG Guidelines, 2015. Collection method: not provided. Allele origin: germline. Inheritance: Autosomal recessive inheritance. Affected: yes.

Clinical Genetics DNA and cytogenetics Diagnostics Lab, Erasmus MC, Erasmus Medical Center
Classification: Likely benign. Review status: no assertion criteria provided. Collection method: clinical testing. Allele origin: germline. Affected: yes. Study: VKGL Data-share Consensus. Not counted in ClinVar's aggregate classification.

Clinical Genetics, Academic Medical Center
Classification: Benign. Review status: no assertion criteria provided. Collection method: clinical testing. Allele origin: germline. Affected: yes. Study: VKGL Data-share Consensus. Not counted in ClinVar's aggregate classification.

NM_001004334.4(GPR179):c.5019C>G (p.Thr1673=)

Gene: GPR179 (G protein-coupled receptor 179; minus strand). Cytogenetic location: 17q12.
Variant type: single nucleotide variant.
Coding change: c.5019C>G on transcript NM_001004334.4 (MANE Select); coding-DNA position 5019, C replaced by G.
Protein change: p.Thr1673=; no amino-acid change (threonine 1673 retained).
Molecular consequence: synonymous variant.
Genome position (GRCh38, 1-based): chr17:38,328,550, G>C on the plus strand (C>G on the coding strand, the complement: GPR179 is on the minus strand). VCF-style: chr17-38328550-G-C. GRCh37 (hg19) VCF-style: chr17-36484433-G-C.
Identifiers: ClinVar variation 283185 (VCV000283185.53), dbSNP rs182907807, ClinGen allele CA10604420.